The following is an entry in ClinVar:

NM_000182.5(HADHA):c.2107G>A (p.Gly703Arg)

Genes: GAREM2 (GRB2 associated regulator of MAPK1 subtype 2; plus strand), HADHA (hydroxyacyl-CoA dehydrogenase trifunctional multienzyme complex subunit alpha; minus strand). Cytogenetic location: 2p23.3.
Variant type: single nucleotide variant.
Coding change: c.2107G>A on transcript NM_000182.5 (MANE Select); coding-DNA position 2107, G replaced by A.
Protein change: p.Gly703Arg; replaces glycine 703 with arginine.
Molecular consequence: missense variant.
Genome position (GRCh38, 1-based): chr2:26,191,522, C>T on the plus strand (G>A on the coding strand, the complement: HADHA is on the minus strand). VCF-style: chr2-26191522-C-T. GRCh37 (hg19) VCF-style: chr2-26414391-C-T.
Other names: short protein forms G703R.
Identifiers: ClinVar variation 429439 (VCV000429439.58), dbSNP rs200438844, ClinGen allele CA44376782.

ClinVar aggregate classification (germline): Conflicting classifications of pathogenicity. Review status: criteria provided, conflicting classifications (1 of 4 stars). 9 submissions from 9 submitters: Pathogenic (3); Likely pathogenic (3); Uncertain significance (1). 2 of the submissions do not count toward it. Last evaluated 2026-08-12.

Conditions:
Mitochondrial trifunctional protein deficiency 1 (MTPD1). Identifiers: MedGen CN376812, MONDO:0958181, OMIM 609015.
Long chain 3-hydroxyacyl-CoA dehydrogenase deficiency. Also called: LCHAD Deficiency; Deficiency of long-chain 3-hydroxyacyl-coenzyme A dehydrogenase. Identifiers: Orphanet 5, MedGen C3711645, MONDO:0012173, OMIM 609016.
HADHA-related disorder. Also called: HADHA-related condition; HADHA-related disorders.
Mitochondrial trifunctional protein deficiency. Identifiers: Orphanet 746, MedGen C1969443, MONDO:0012172.

Allele frequency attached by ClinVar (database versions not stated): gnomAD 0.00001; gnomAD exomes 0.00001; 1000 Genomes Project 30x 0.00016; 1000 Genomes Project 0.00020.
gnomAD v4.1: 11 of 1,614,150 alleles (0.00068%); highest among the groups gnomAD compares: East Asian, 0.0067%; no homozygotes.

Submissions (9):

GeneDx
Classification: Likely pathogenic. Last evaluated: 2026-08-12. Review status: criteria provided, single submitter. Criteria: GeneDx Variant Classification Process June 2021. Collection method: clinical testing. Allele origin: germline.
Comment: Observed with a pathogenic or likely pathogenic variant in patients with features of HADHA-related disorders in published literature and tested at GeneDx, but it is not known whether the variants occurred on the same (in cis) or on different (in trans) alleles in some cases (PMID: 38263760, 34878152, 21103935); Not observed at significant frequency in large population cohorts (gnomAD); In silico analysis supports that this missense variant has a deleterious effect on protein structure/function; This variant is associated with the following publications: (PMID: 21103935, 25525159, 21549624, 26109258, 34878152, 38263760)

Labcorp Genetics (formerly Invitae), Labcorp
Classification: Pathogenic for Mitochondrial trifunctional protein deficiency; Long chain 3-hydroxyacyl-CoA dehydrogenase deficiency. Last evaluated: 2025-05-18. Review status: criteria provided, single submitter. Criteria: Invitae Variant Classification Sherloc (09022015). Collection method: clinical testing. Allele origin: germline.
Comment: This sequence change replaces glycine, which is neutral and non-polar, with arginine, which is basic and polar, at codon 703 of the HADHA protein (p.Gly703Arg). This variant is present in population databases (rs200438844, gnomAD 0.01%). This missense change has been observed in individual(s) with HADHA-related conditions and/or mitochondrial trifunctional protein deficiency (PMID: 21103935, 26109258, 34878152). In at least one individual the data is consistent with being in trans (on the opposite chromosome) from a pathogenic variant. It has also been observed to segregate with disease in related individuals. ClinVar contains an entry for this variant (Variation ID: 429439). Invitae Evidence Modeling of protein sequence and biophysical properties (such as structural, functional, and spatial information, amino acid conservation, physicochemical variation, residue mobility, and thermodynamic stability) indicates that this missense variant is expected to disrupt HADHA protein function with a positive predictive value of 80%. For these reasons, this variant has been classified as Pathogenic.

Natera, Inc.
Classification: Likely pathogenic for Deficiency of long-chain 3-hydroxyacyl-coenzyme A dehydrogenase. Last evaluated: 2025-03-18. Review status: criteria provided, single submitter. Criteria: Natera Variant Classification Schema (03/2026). Collection method: clinical testing. Allele origin: germline.
Comment: The c.2107G>A variant in HADHA is a missense variant predicted to cause substitution of glycine to arginine at amino acid 703. This variant is rare in the general population with a frequency below the threshold expected for the associated phenotype(s). This variant has been observed in one or more individuals affected with the associated recessive disease, as either homozygous or compound heterozygous with a second variant (PMID: 21103935, 34878152). Additionally, this variant has been observed to segregate in affected family members (PMID: 34878152). Computational prediction algorithms indicate this variant is likely to affect gene or protein function. Given the available evidence, this variant is classified as Likely Pathogenic.

Blueprint Genetics
Classification: Pathogenic for HADHA-related disorders. Last evaluated: 2024-04-23. Review status: criteria provided, single submitter. Criteria: ACMG Guidelines, 2015. Collection method: clinical testing. Allele origin: germline. Affected: yes. Observed: 2 variant alleles.

Fulgent Genetics
Classification: Likely pathogenic for Mitochondrial trifunctional protein deficiency 1; Long chain 3-hydroxyacyl-CoA dehydrogenase deficiency. Last evaluated: 2024-04-18. Review status: criteria provided, single submitter. Criteria: ACMG Guidelines, 2015. Collection method: clinical testing. Allele origin: germline.

Baylor Genetics
Classification: Pathogenic for Long chain 3-hydroxyacyl-CoA dehydrogenase deficiency. Last evaluated: 2024-02-25. Review status: criteria provided, single submitter. Criteria: ACMG Guidelines, 2015. Collection method: clinical testing. Allele origin: unknown.

CeGaT Center for Human Genetics Tuebingen
Classification: Uncertain significance. Last evaluated: 2017-03-01. Review status: criteria provided, single submitter. Criteria: CeGaT Center For Human Genetics Tuebingen Variant Classification Criteria Version 2. Collection method: clinical testing. Allele origin: germline. Affected: yes. Observed: 1 variant allele.

OMIM
Classification: Pathogenic for MITOCHONDRIAL TRIFUNCTIONAL PROTEIN DEFICIENCY 1. Last evaluated: 2023-03-27. Review status: no assertion criteria provided. Collection method: literature only. Allele origin: germline. Not counted in ClinVar's aggregate classification.

Counsyl
Classification: Uncertain significance for Long chain 3-hydroxyacyl-CoA dehydrogenase deficiency. Last evaluated: 2017-06-27. Review status: flagged submission. Collection method: clinical testing. Allele origin: unknown. Not counted in ClinVar's aggregate classification.
ClinVar note: Reason: Older and outlier claim with insufficient supporting evidence

Literature cited by the submitters: PubMed 21103935 (cited by 3 submitters); PubMed 26109258 (cited by Labcorp Genetics (formerly Invitae), Labcorp and Counsyl); PubMed 34878152 (cited by 3 submitters).